The following is an entry in ClinVar:

NM_001128164.2(ATXN1):c.158G>A (p.Arg53Gln)

Gene: ATXN1 (ataxin 1; minus strand). Cytogenetic location: 6p22.3.
Variant type: single nucleotide variant.
Coding change: c.158G>A on transcript NM_001128164.2 (MANE Select); coding-DNA position 158, G replaced by A.
Protein change: p.Arg53Gln; replaces arginine 53 with glutamine.
Molecular consequence: missense variant. On other transcripts: synonymous variant (1).
Genome position (GRCh38, 1-based): chr6:16,328,153, C>T on the plus strand (G>A on the coding strand, the complement: ATXN1 is on the minus strand). VCF-style: chr6-16328153-C-T. GRCh37 (hg19) VCF-style: chr6-16328384-C-T.
Other names: c.158G>A, p.Arg53Gln (NM_000332.4); c.129G>A, p.Pro43= (NM_001357857.2); short protein forms R53Q.
Identifiers: ClinVar variation 3044337 (VCV003044337.3), dbSNP rs754100060, ClinGen allele CA3645700.
Genomic context (GRCh38, chr6:16,328,153, plus strand): 5'-TGTTGTAAACCAAGCTCCACCGAGGTCCCTGCCGGCCCATGCCTCCCGCCCCCGTGGCCC[C>T]GGCCACCAGGGTTGCCCGGGAGCCATGCTGTGCCCTCCACCCGGTGGTTGTCGCTGGGCA-3'
Protein context (NP_001121636.1, residues 43-63): TAWLPGNPGG[Arg53Gln]GHGGGRHGPA

ClinVar aggregate classification (germline): Uncertain significance. Review status: criteria provided, single submitter (1 of 4 stars). 2 submissions from 2 submitters: Uncertain significance (1). 1 of the submissions does not count toward it. Last evaluated 2023-12-20.

Conditions:
ATXN1-related disorder. Also called: ATXN1-related condition.
Inborn genetic diseases. Identifiers: MedGen C0950123, MeSH D030342.

gnomAD v4.1: 218 of 1,582,916 alleles (0.014%); highest among the groups gnomAD compares: Non-Finnish European, 0.018%; 1 homozygote.

Submissions (2):

Ambry Genetics
Classification: Uncertain significance for Inborn genetic diseases. Last evaluated: 2023-12-20. Review status: criteria provided, single submitter. Criteria: Ambry Variant Classification Scheme 2023. Collection method: clinical testing. Allele origin: germline.

PreventionGenetics, part of Exact Sciences
Classification: Likely benign for ATXN1-related condition. Last evaluated: 2020-03-24. Review status: no assertion criteria provided. Collection method: clinical testing. Allele origin: germline. Not counted in ClinVar's aggregate classification.
Comment: This variant is classified as likely benign based on ACMG/AMP sequence variant interpretation guidelines (Richards et al. 2015 PMID: 25741868, with internal and published modifications).